The following is an entry in ClinVar:

ClinVar aggregate classification (germline): Uncertain significance (1 of 4 stars; one submission).

Submission:

GeneDx
Classification: Uncertain significance. Last evaluated: 2024-11-14. Review status: criteria provided, single submitter. Criteria: GeneDx Variant Classification Process June 2021. Collection method: clinical testing. Allele origin: germline. Affected: yes.
Comment: Not observed at significant frequency in large population cohorts (gnomAD); Frameshift variant predicted to result in protein truncation or nonsense mediated decay in a gene or region of a gene for which loss of function is not a well-established mechanism of disease; Has not been previously published as pathogenic or benign to our knowledge

NM_001267550.2(TTN):c.24191del (p.Gly8064fs)

Gene: TTN (titin; minus strand). Cytogenetic location: 2q31.2.
Variant type: Deletion.
Coding change: c.24191del on transcript NM_001267550.2 (MANE Select); coding-DNA position 24191, one base deleted (G; older notation c.24191delG).
Protein change: p.Gly8064fs; shifts the reading frame from glycine 8064.
Molecular consequence: frameshift variant. On other transcripts: intron variant (3).
Genome position (GRCh38, 1-based): chr2:178,719,199, C deleted on the plus strand (G on the coding strand, the reverse complement: TTN is on the minus strand); the first of 2 consecutive C bases (chr2:178,719,199-178,719,200); deleting either gives the same sequence. VCF-style (leftmost placement, unchanged base first): chr2-178719198-AC-A. GRCh37 (hg19) VCF-style: chr2-179583925-AC-A.
Other names: c.23240del, p.Gly7747fs (NM_001256850.1); c.24190delG, p.Gly8064Valfs (NM_001267550.1); c.20459del, p.Gly6820fs (NM_133378.4); c.13282+18883del (NM_003319.4); c.13858+18883del (NM_133437.4); c.13657+18883del (NM_133432.3); short protein forms G6820fs, G7747fs, G8064fs.
Identifiers: ClinVar variation 3899495 (VCV003899495.1).
Genomic context (GRCh38, chr2:178,719,198, plus strand): 5'-CAGCAGCTTTATCCTTGCACACTGACCTTGCACAGTCAGGACTGCTGAGCACTCATCGGA[AC>A]CAGCTACATTGGCAGCCACACACGTGTATATGCCTGTGTCGGAGGGCTCCAACAAGCTCA-3'